The following is an entry in ClinVar:

NM_002739.5(PRKCG):c.1927T>C (p.Phe643Leu)

Gene: PRKCG (protein kinase C gamma; plus strand). Cytogenetic location: 19q13.42.
Variant type: single nucleotide variant.
Coding change: c.1927T>C on transcript NM_002739.5 (MANE Select); coding-DNA position 1927, T replaced by C.
Protein change: p.Phe643Leu; replaces phenylalanine 643 with leucine.
Molecular consequence: missense variant.
Genome position (GRCh38, 1-based): chr19:53,906,728, T>C. VCF-style: chr19-53906728-T-C. GRCh37 (hg19) VCF-style: chr19-54409982-T-C.
Other names: c.1928t>c; c.1927T>C, p.Phe643Leu (NM_001316329.2, LRG_669t1); c.1927T>C (NM_002739.3); short protein forms F643L.
Identifiers: ClinVar variation 13249 (VCV000013249.4), dbSNP rs121918516, ClinGen allele CA341269.
Genomic context (GRCh38, chr19:53,906,728, plus strand): 5'-CGGAGCTGCTTAACTTTCCCTCCCCCACGTCTCCCACAGTGTGGCCGCAGCGGCGAGAAC[T>C]TTGACAAGTTCTTCACGCGGGCGGCGCCAGCGCTGACCCCTCCAGACCGCCTAGTCCTGG-3'
Protein context (NP_002730.1, residues 633-653): PRPCGRSGEN[Phe643Leu]DKFFTRAAPA

ClinVar aggregate classification (germline): Pathogenic. Review status: criteria provided, single submitter (1 of 4 stars). 3 submissions from 3 submitters: Pathogenic (1). 2 of the submissions do not count toward it. Last evaluated 2025-10-17.

Conditions:
Spinocerebellar ataxia type 14 (SCA14). Identifiers: Orphanet 98763, MedGen C1854369, MONDO:0011540, OMIM 605361.

Submissions (3):

Athena Diagnostics
Classification: Pathogenic. Last evaluated: 2025-10-17. Review status: criteria provided, single submitter. Criteria: Athena Diagnostics Criteria. Collection method: clinical testing. Allele origin: unknown.
Comment: This variant has not been reported in large, multi-ethnic general populations. This variant segregates with disease in at least one family. Assessment of experimental evidence suggests this variant results in abnormal protein function. (PMID: 28738819, 36166510, 25217572,15964845,18005063)

OMIM
Classification: Pathogenic for SPINOCEREBELLAR ATAXIA 14. Last evaluated: 2004-08-01. Review status: no assertion criteria provided. Collection method: literature only. Allele origin: germline. Not counted in ClinVar's aggregate classification.

GeneReviews
No classification provided. Condition: Spinocerebellar ataxia type 14. Review status: no classification provided. Collection method: literature only. Allele origin: germline. Not counted in ClinVar's aggregate classification.

Literature cited by the submitters: PubMed 15313841 (cited by 3 submitters); PubMed 28738819 (cited by Athena Diagnostics); PubMed 16193476 (cited by Athena Diagnostics and GeneReviews); PubMed 25217572 (cited by Athena Diagnostics); PubMed 30093405 (cited by Athena Diagnostics); PubMed 15964845 (cited by Athena Diagnostics); PubMed 18005063 (cited by Athena Diagnostics); PubMed 34292398 (cited by Athena Diagnostics); PubMed 18499672 (cited by Athena Diagnostics); PubMed 36166510 (cited by Athena Diagnostics); PubMed 20301573 (cited by GeneReviews).